The following is an entry in ClinVar:

ClinVar aggregate classification (germline): Pathogenic/Likely pathogenic. Review status: criteria provided, multiple submitters, no conflicts (2 of 4 stars). 2 submissions from 2 submitters: Pathogenic (1); Likely pathogenic (1). Last evaluated 2024-10-30.

Conditions:
AUH-related disorder. Also called: AUH-related condition.
3-methylglutaconic aciduria type 1 (MGCA1). Identifiers: Orphanet 67046, MedGen C0342727, MONDO:0009610, OMIM 250950.

Allele frequency attached by ClinVar (database versions not stated): TOPMed 0.00003; gnomAD exomes 0.00005 and 0.00010; ESP Exome Variant Server 0.00008; ExAC 0.00010; gnomAD 0.00011 and 0.00012.

Submissions (2):

Blueprint Genetics
Classification: Likely pathogenic for AUH-related disorders. Last evaluated: 2024-10-30. Review status: criteria provided, single submitter. Criteria: ACMG Guidelines, 2015. Collection method: clinical testing. Allele origin: germline. Affected: yes. Observed: 5 variant alleles.

Labcorp Genetics (formerly Invitae), Labcorp
Classification: Pathogenic for 3-methylglutaconic aciduria type 1. Last evaluated: 2022-02-09. Review status: criteria provided, single submitter. Criteria: Invitae Variant Classification Sherloc (09022015). Collection method: clinical testing. Allele origin: germline.
Comment: For these reasons, this variant has been classified as Pathogenic. Algorithms developed to predict the effect of sequence changes on RNA splicing suggest that this variant may create or strengthen a splice site. This variant has not been reported in the literature in individuals affected with AUH-related conditions. This variant is present in population databases (rs200212229, gnomAD 0.1%). This sequence change creates a premature translational stop signal (p.Arg241*) in the AUH gene. It is expected to result in an absent or disrupted protein product. Loss-of-function variants in AUH are known to be pathogenic (PMID: 12655555, 20882351).

Literature cited by the submitters: PubMed 12655555 (cited by Labcorp Genetics (formerly Invitae), Labcorp); PubMed 20882351 (cited by Labcorp Genetics (formerly Invitae), Labcorp).

NM_001698.3(AUH):c.721C>T (p.Arg241Ter)

Gene: AUH (AU RNA binding methylglutaconyl-CoA hydratase; minus strand). Cytogenetic location: 9q22.31.
Variant type: single nucleotide variant.
Coding change: c.721C>T on transcript NM_001698.3 (MANE Select); coding-DNA position 721, C replaced by T.
Protein change: p.Arg241Ter; replaces arginine 241 with a stop codon.
Molecular consequence: nonsense.
Genome position (GRCh38, 1-based): chr9:91,220,927, G>A on the plus strand (C>T on the coding strand, the complement: AUH is on the minus strand). VCF-style: chr9-91220927-G-A. GRCh37 (hg19) VCF-style: chr9-93983209-G-A.
Other names: c.634C>T, p.Arg212Ter (NM_001306190.2); c.394C>T, p.Arg132Ter (NM_001351431.2, NM_001351432.2, NM_001351433.2); short protein forms R212*, R132*, R241*.
Identifiers: ClinVar variation 1452715 (VCV001452715.7), dbSNP rs200212229, ClinGen allele CA5119748.